The following is an entry in ClinVar:

NM_000489.6(ATRX):c.5377A>C (p.Thr1793Pro)

Gene: ATRX (ATRX chromatin remodeler; minus strand). Cytogenetic location: Xq21.1.
Variant type: single nucleotide variant.
Coding change: c.5377A>C on transcript NM_000489.6 (MANE Select); coding-DNA position 5377, A replaced by C.
Protein change: p.Thr1793Pro; replaces threonine 1793 with proline.
Molecular consequence: missense variant.
Genome position (GRCh38, 1-based): chrX:77,618,877, T>G on the plus strand (A>C on the coding strand, the complement: ATRX is on the minus strand). VCF-style: chrX-77618877-T-G. GRCh37 (hg19) VCF-style: chrX-76874345-T-G.
Other names: c.5263A>C, p.Thr1755Pro (NM_138270.5); short protein forms T1793P, T1755P.
Identifiers: ClinVar variation 635063 (VCV000635063.1), dbSNP rs1569531570, ClinGen allele CA413700763.
Genomic context (GRCh38, chrX:77,618,877, plus strand): 5'-CAGCTAACATCTCATAGAGAATGTGAGCACGTTTTTTCATCACTCTGACATCTACCATGG[T>G]AGAATCTGCACACTGACCATTTTGAATTGGATTTATAAATCTATTCCTGAACTCCTTAAT-3'
Protein context (NP_000480.3, residues 1783-1803): PIQNGQCADS[Thr1793Pro]MVDVRVMKKR

ClinVar aggregate classification (germline): Uncertain significance (1 of 4 stars; one submission).

Conditions:
Intellectual disability-hypotonic facies syndrome, X-linked, 1 (MRXHF1). Also called: Carpenter-Waziri syndrome; X-linked intellectual disability-hypotonic face syndrome; Smith Fineman Myers syndrome 1; HOLMES-GANG SYNDROME; XLMR-HYPOTONIC FACIES SYNDROME; CHUDLEY-LOWRY SYNDROME. Identifiers: Orphanet 73220, Orphanet 93970, Orphanet 93971, Orphanet 93972, Orphanet 93973, Orphanet 93974, Orphanet 93975, MedGen C4759781, MONDO:0010663, OMIM 309580.

Submission:

Broad Center for Mendelian Genomics, Broad Institute of MIT and Harvard
Classification: Uncertain significance for Intellectual disability-hypotonic facies syndrome, X-linked, 1. Last evaluated: 2018-06-15. Review status: criteria provided, single submitter. Criteria: ACMG Guidelines, 2015. Collection method: research. Allele origin: germline. Inheritance: X-linked inheritance. Affected: yes.
Comment: This variant was absent from large population studies. The Threonine (Thr) at position 1793 is highly conserved in mammals and evolutionarily distant species, raising the possibility that a change at this position may not be tolerated. Computational prediction tools suggest that this variant may impact the protein, though this information is not predictive enough to determine pathogenicity. In summary, the clinical significance of this variant is uncertain.